The following is an entry in ClinVar:

ClinVar aggregate classification (germline): Uncertain significance. Review status: criteria provided, single submitter (1 of 4 stars). 2 submissions from 2 submitters: Uncertain significance (1). 1 of the submissions does not count toward it. Last evaluated 2026-03-18.

Conditions:
Alkaptonuria (AKU). Also called: Alcaptonuria; HOMOGENTISIC ACID OXIDASE DEFICIENCY; Homogentisic acidura; Alkaptonuric ochronosis. Identifiers: Orphanet 56, MedGen C0002066, MONDO:0008753, OMIM 203500.

Allele frequency attached by ClinVar (database versions not stated): gnomAD exomes below 0.00001; gnomAD 0.00001; TOPMed 0.00001.
gnomAD v4.1: 3 of 1,612,014 alleles (0.00019%); highest among the groups gnomAD compares: Non-Finnish European, 0.00025%; no homozygotes.

Submissions (2):

Myriad Genetics, Inc.
Classification: Uncertain significance for Alkaptonuria. Last evaluated: 2026-03-18. Review status: criteria provided, single submitter. Criteria: Myriad Autosomal Dominant, Autosomal Recessive and X-Linked Classification Criteria (2023). Collection method: clinical testing. Allele origin: unknown.
Comment: NM_000187.3(HGD):c.130C>T(L44F) is a missense variant classified as a variant of uncertain significance in the context of alkaptonuria. L44F has been observed in cases with relevant disease (PMID: 23430897, 25804398). Relevant functional assessments of this variant are not available in the literature. L44F has been observed in referenced population frequency databases. In summary, there is insufficient evidence to classify NM_000187.3(HGD):c.130C>T(L44F) as pathogenic or benign. Please note: this variant was assessed in the context of healthy population screening.

Department Of Human Genetics, Institute Of Clinical And Translational Research, Biomedical Research Center, Slovak Academy Of Sciences
Classification: Pathogenic for Alkaptonuria. Review status: no assertion criteria provided. Collection method: research. Allele origin: germline. Inheritance: Autosomal recessive inheritance. Affected: yes. Observed: 2 variant alleles. Not counted in ClinVar's aggregate classification.
Comment: The variant was originally described in AKU patient in PMID:23430897 and PMID:25804398. It has been submitted to the HGD gene mutation database (DB-ID: AKU_00009).

Literature cited by the submitters: PubMed 23430897 (cited by Myriad Genetics, Inc. and Department Of Human Genetics, Institute Of Clinical And Translational Research, Biomedical Research Center, Slovak Academy Of Sciences); PubMed 25804398 (cited by Myriad Genetics, Inc.).

NM_000187.4(HGD):c.130C>T (p.Leu44Phe)

Gene: HGD (homogentisate 1,2-dioxygenase; minus strand). Cytogenetic location: 3q13.33.
Variant type: single nucleotide variant.
Coding change: c.130C>T on transcript NM_000187.4 (MANE Select); coding-DNA position 130, C replaced by T.
Protein change: p.Leu44Phe; replaces leucine 44 with phenylalanine.
Molecular consequence: missense variant.
Genome position (GRCh38, 1-based): chr3:120,674,947, G>A on the plus strand (C>T on the coding strand, the complement: HGD is on the minus strand). VCF-style: chr3-120674947-G-A. GRCh37 (hg19) VCF-style: chr3-120393794-G-A.
Other names: short protein forms L44F.
Identifiers: ClinVar variation 2626853 (VCV002626853.2), dbSNP rs1049246177, ClinGen allele CA81810313.